The following is an entry in ClinVar:

ClinVar aggregate classification (germline): Likely benign (0 of 4 stars; one submission).

Conditions:
ACOX2-related disorder. Also called: ACOX2-related condition.

Allele frequency attached by ClinVar (database versions not stated): ExAC 0.00003; TOPMed 0.00003; gnomAD 0.00006.
gnomAD v4.1: 112 of 1,613,468 alleles (0.0069%); highest among the groups gnomAD compares: Non-Finnish European, 0.009%; no homozygotes.

Submission:

PreventionGenetics, part of Exact Sciences
Classification: Likely benign for ACOX2-related condition. Last evaluated: 2023-12-15. Review status: no assertion criteria provided. Collection method: clinical testing. Allele origin: germline.
Comment: This variant is classified as likely benign based on ACMG/AMP sequence variant interpretation guidelines (Richards et al. 2015 PMID: 25741868, with internal and published modifications).

NM_003500.4(ACOX2):c.1161C>T (p.His387=)

Gene: ACOX2 (acyl-CoA oxidase 2; minus strand). Cytogenetic location: 3p14.3.
Variant type: single nucleotide variant.
Coding change: c.1161C>T on transcript NM_003500.4 (MANE Select); coding-DNA position 1161, C replaced by T.
Protein change: p.His387=; no amino-acid change (histidine 387 retained).
Molecular consequence: synonymous variant.
Genome position (GRCh38, 1-based): chr3:58,526,651, G>A on the plus strand (C>T on the coding strand, the complement: ACOX2 is on the minus strand). VCF-style: chr3-58526651-G-A. GRCh37 (hg19) VCF-style: chr3-58512378-G-A.
Identifiers: ClinVar variation 3057287 (VCV003057287.2), dbSNP rs747031412, ClinGen allele CA2472138.
Genomic context (GRCh38, chr3:58,526,651, plus strand): 5'-CATCTCAGCTCCCTGGGTGCAGAATTCTGACATCATGGCCTTCATGCCCGTGCTCAGTGC[G>A]TGGAGCTGTGAGAACATGGAGGGGGGTTGGGCGGTGTTAGGGGGCCTCCACCATAGGGAC-3'
Protein context (NP_003491.1, residues 377-397): NQDFSFLPEL[His387=]ALSTGMKAMM